The following is an entry in ClinVar:

NM_030962.4(SBF2):c.3382G>A (p.Gly1128Ser)

Genes: SBF2 (SET binding factor 2; minus strand), LOC101928008 (uncharacterized LOC101928008; plus strand). Cytogenetic location: 11p15.4.
Variant type: single nucleotide variant.
Coding change: c.3382G>A on transcript NM_030962.4 (MANE Select); coding-DNA position 3382, G replaced by A.
Protein change: p.Gly1128Ser; replaces glycine 1128 with serine.
Molecular consequence: missense variant.
Genome position (GRCh38, 1-based): chr11:9,839,571, C>T on the plus strand (G>A on the coding strand, the complement: SBF2 is on the minus strand). VCF-style: chr11-9839571-C-T. GRCh37 (hg19) VCF-style: chr11-9861118-C-T.
Other names: c.3382G>A, p.Gly1128Ser (NM_001386339.1); c.3253G>A, p.Gly1085Ser (NM_001386342.1); short protein forms G1128S, G1085S.
Identifiers: ClinVar variation 1435116 (VCV001435116.6), dbSNP rs1474699941, ClinGen allele CA379628559.

ClinVar aggregate classification (germline): Uncertain significance (1 of 4 stars; one submission).

Conditions:
Charcot-Marie-Tooth disease type 4. Also called: Charcot-Marie-Tooth, Type 4; Charcot-Marie-Tooth disease, type IV. Identifiers: Orphanet 64749, MedGen C4082197, MONDO:0018995.

Allele frequency attached by ClinVar (database versions not stated): gnomAD exomes below 0.00001.
gnomAD v4.1: 1 of 1,614,142 alleles (0.000062%); highest among the groups gnomAD compares: Non-Finnish European, 0.000085%; no homozygotes.

Submission:

Labcorp Genetics (formerly Invitae), Labcorp
Classification: Uncertain significance for Charcot-Marie-Tooth disease type 4. Last evaluated: 2022-07-18. Review status: criteria provided, single submitter. Criteria: Invitae Variant Classification Sherloc (09022015). Collection method: clinical testing. Allele origin: germline.
Comment: In summary, the available evidence is currently insufficient to determine the role of this variant in disease. Therefore, it has been classified as a Variant of Uncertain Significance. Algorithms developed to predict the effect of missense changes on protein structure and function output the following: SIFT: "Tolerated"; PolyPhen-2: "Benign"; Align-GVGD: "Class C0". The serine amino acid residue is found in multiple mammalian species, which suggests that this missense change does not adversely affect protein function. ClinVar contains an entry for this variant (Variation ID: 1435116). This variant has not been reported in the literature in individuals affected with SBF2-related conditions. This variant is present in population databases (no rsID available, gnomAD 0.0009%). This sequence change replaces glycine, which is neutral and non-polar, with serine, which is neutral and polar, at codon 1128 of the SBF2 protein (p.Gly1128Ser).